The following is an entry in ClinVar:

NC_000017.10:g.(35567405_35578644)_(35583374_35591889)dup

Gene: ACACA (acetyl-CoA carboxylase alpha; minus strand). Cytogenetic location: 17q12.
Variant type: Duplication.
Identifiers: ClinVar variation 2577205 (VCV002577205.1).

ClinVar aggregate classification (germline): Uncertain significance (1 of 4 stars; one submission).

Submission:

Women's Health and Genetics/Laboratory Corporation of America, LabCorp
Classification: Uncertain significance. Last evaluated: 2023-07-14. Review status: criteria provided, single submitter. Criteria: LabCorp Variant Classification Summary - May 2015. Collection method: clinical testing. Allele origin: germline.
Comment: Variant summary: The variant identified by MLPA or other technology involves the duplication of exons 30-33 in the ACACA gene. A presumed nomenclature of c.(3135+1_3136-1)_(3572+1_3573-1)dup has been designated for the purposes of this classification. It has been assumed that this is a tandem duplication in direct orientation (Richardson_GIM_2018, Newman_AJHG_2015). Although exact breakpoints of this duplication are not known, it is expected to result in a frameshift in the ACACA gene. However, current evidence is not sufficient to establish whether loss-of-function variants in the ACACA gene cause disease. The variant was absent in 21694 control chromosomes in the gnomAD database, structural variants data set. The available data on variant occurrences in the general population are insufficient to allow any conclusion about variant significance. To our knowledge, no occurrence of c.(3135+1_3136-1)_(3572+1_3573-1)dup in individuals affected with Acetyl-CoA: Carboxylase Deficiency and no experimental evidence demonstrating its impact on protein function have been reported. No submitters have cited clinical-significance assessments for this variant to ClinVar after 2014. Based on the evidence outlined above, the variant was classified as uncertain significance.